The following is an entry in ClinVar:

ClinVar aggregate classification (germline): Uncertain significance. Review status: criteria provided, multiple submitters, no conflicts (2 of 4 stars). 3 submissions from 3 submitters: Uncertain significance (3). Last evaluated 2025-06-12.

Conditions:
Meckel syndrome, type 11 (MKS11). Identifiers: Orphanet 564, MedGen C3809352, MONDO:0014164, OMIM 615397.
Joubert syndrome 20 (JBTS20). Identifiers: Orphanet 475, MedGen C3554235, MONDO:0013994, OMIM 614970.
Inborn genetic diseases. Identifiers: MedGen C0950123, MeSH D030342.

Allele frequency attached by ClinVar (database versions not stated): ExAC 0.00003; gnomAD 0.00008; TOPMed 0.00011.

Submissions (3):

Labcorp Genetics (formerly Invitae), Labcorp
Classification: Uncertain significance for Joubert syndrome 20; Meckel syndrome, type 11. Last evaluated: 2025-06-12. Review status: criteria provided, single submitter. Criteria: Invitae Variant Classification Sherloc (09022015). Collection method: clinical testing. Allele origin: germline.
Comment: This sequence change replaces glycine, which is neutral and non-polar, with arginine, which is basic and polar, at codon 253 of the TMEM231 protein (p.Gly253Arg). This variant is present in population databases (rs776470341, gnomAD 0.02%). This variant has not been reported in the literature in individuals affected with TMEM231-related conditions. ClinVar contains an entry for this variant (Variation ID: 2157161). Experimental studies and prediction algorithms are not available or were not evaluated, and the functional significance of this variant is currently unknown. In summary, the available evidence is currently insufficient to determine the role of this variant in disease. Therefore, it has been classified as a Variant of Uncertain Significance.

Ambry Genetics
Classification: Uncertain significance for Inborn genetic diseases. Last evaluated: 2025-01-17. Review status: criteria provided, single submitter. Criteria: Ambry Variant Classification Scheme 2023. Collection method: clinical testing. Allele origin: germline.

Fulgent Genetics
Classification: Uncertain significance for Joubert syndrome 20; Meckel syndrome, type 11. Last evaluated: 2024-05-30. Review status: criteria provided, single submitter. Criteria: ACMG Guidelines, 2015. Collection method: clinical testing. Allele origin: germline.

NM_001077418.3(TMEM231):c.598G>A (p.Gly200Arg)

Gene: TMEM231 (transmembrane protein 231; minus strand). Cytogenetic location: 16q23.1.
Variant type: single nucleotide variant.
Coding change: c.598G>A on transcript NM_001077418.3 (MANE Select); coding-DNA position 598, G replaced by A.
Protein change: p.Gly200Arg; replaces glycine 200 with arginine.
Molecular consequence: missense variant. On other transcripts: non-coding transcript variant (1).
Genome position (GRCh38, 1-based): chr16:75,542,668, C>T on the plus strand (G>A on the coding strand, the complement: TMEM231 is on the minus strand). VCF-style: chr16-75542668-C-T. GRCh37 (hg19) VCF-style: chr16-75576566-C-T.
Other names: c.757G>A, p.Gly253Arg (NM_001077416.2); c.685G>A (NM_001077416.1); short protein forms G253R, G200R.
Identifiers: ClinVar variation 2157161 (VCV002157161.4), dbSNP rs776470341, ClinGen allele CA8176117.